The following is an entry in ClinVar:

ClinVar aggregate classification (germline): Uncertain significance (1 of 4 stars; one submission).

Submission:

Labcorp Genetics (formerly Invitae), Labcorp
Classification: Uncertain significance. Last evaluated: 2022-12-04. Review status: criteria provided, single submitter. Criteria: Invitae Variant Classification Sherloc (09022015). Collection method: clinical testing. Allele origin: germline.
Comment: In summary, the available evidence is currently insufficient to determine the role of this variant in disease. Therefore, it has been classified as a Variant of Uncertain Significance. Advanced modeling of protein sequence and biophysical properties (such as structural, functional, and spatial information, amino acid conservation, physicochemical variation, residue mobility, and thermodynamic stability) performed at Invitae indicates that this missense variant is not expected to disrupt APPL1 protein function. ClinVar contains an entry for this variant (Variation ID: 1719006). This variant has not been reported in the literature in individuals affected with APPL1-related conditions. This variant is not present in population databases (gnomAD no frequency). This sequence change replaces serine, which is neutral and polar, with cysteine, which is neutral and slightly polar, at codon 459 of the APPL1 protein (p.Ser459Cys).

NM_012096.3(APPL1):c.1376C>G (p.Ser459Cys)

Gene: APPL1 (adaptor protein, phosphotyrosine interacting with PH domain and leucine zipper 1; plus strand). Cytogenetic location: 3p14.3.
Variant type: single nucleotide variant.
Coding change: c.1376C>G on transcript NM_012096.3 (MANE Select); coding-DNA position 1376, C replaced by G.
Protein change: p.Ser459Cys; replaces serine 459 with cysteine.
Molecular consequence: missense variant.
Genome position (GRCh38, 1-based): chr3:57,257,374, C>G. VCF-style: chr3-57257374-C-G. GRCh37 (hg19) VCF-style: chr3-57291402-C-G.
Other names: short protein forms S459C.
Identifiers: ClinVar variation 1719006 (VCV001719006.5), dbSNP rs1559512528, ClinGen allele CA353295521.